The following is an entry in ClinVar:

ClinVar aggregate classification (germline): Conflicting classifications of pathogenicity. Review status: criteria provided, conflicting classifications (1 of 4 stars). 2 submissions from 2 submitters: Uncertain significance (1); Likely benign (1). Last evaluated 2025-02-27.

Conditions:
Neuropathy, hereditary sensory, type 2C. Also called: KIF1A-Related HSAN2 (HSAN2C); Hereditary sensory and autonomic neuropathy type IIC. Identifiers: Orphanet 970, MedGen C3280168, MONDO:0013634, OMIM 614213.
Hereditary spastic paraplegia 30. Identifiers: Orphanet 101010, MedGen C5235139, MONDO:0012476.
Intellectual disability, autosomal dominant 9 (NESCAVS). Also called: KIF1A-Related Neurodevelopmental Disorder; NESCAV SYNDROME. Identifiers: Orphanet 662367, MedGen C5393830, MONDO:0013656, OMIM 614255.

gnomAD v4.1: 3 of 1,609,498 alleles (0.00019%); highest among the groups gnomAD compares: Admixed American, 0.0017%; no homozygotes.

Submissions (2):

Women's Health and Genetics/Laboratory Corporation of America, LabCorp
Classification: Uncertain significance. Last evaluated: 2025-02-27. Review status: criteria provided, single submitter. Criteria: LabCorp Variant Classification Summary - May 2015. Collection method: clinical testing. Allele origin: germline.
Comment: Variant summary: KIF1A c.4493G>C (p.Gly1498Ala) results in a non-conservative amino acid change in the encoded protein sequence. Four of five in-silico tools predict a benign effect of the variant on protein function. The variant allele was found at a frequency of 8.3e-06 in 240160 control chromosomes. The available data on variant occurrences in the general population are insufficient to allow any conclusion about variant significance. To our knowledge, no occurrence of c.4493G>C in individuals affected with Neuropathy, hereditary sensory, type 2C and no experimental evidence demonstrating its impact on protein function have been reported. No submitters have cited clinical-significance assessments for this variant to ClinVar. Based on the evidence outlined above, the variant was classified as uncertain significance.

Labcorp Genetics (formerly Invitae), Labcorp
Classification: Likely benign for Hereditary spastic paraplegia 30; Neuropathy, hereditary sensory, type 2C; Intellectual disability, autosomal dominant 9. Last evaluated: 2024-09-10. Review status: criteria provided, single submitter. Criteria: Invitae Variant Classification Sherloc (09022015). Collection method: clinical testing. Allele origin: germline.

NM_001244008.2(KIF1A):c.4796G>C (p.Gly1599Ala)

Gene: KIF1A (kinesin family member 1A; minus strand). Cytogenetic location: 2q37.3.
Variant type: single nucleotide variant.
Coding change: c.4796G>C on transcript NM_001244008.2 (MANE Select); coding-DNA position 4796, G replaced by C.
Protein change: p.Gly1599Ala; replaces glycine 1599 with alanine.
Molecular consequence: missense variant.
Genome position (GRCh38, 1-based): chr2:240,720,986, C>G on the plus strand (G>C on the coding strand, the complement: KIF1A is on the minus strand). VCF-style: chr2-240720986-C-G. GRCh37 (hg19) VCF-style: chr2-241660403-C-G.
Other names: c.4520G>C, p.Gly1507Ala (NM_001320705.2, NM_001379649.1); c.4547G>C, p.Gly1516Ala (NM_001330289.2); c.4595G>C, p.Gly1532Ala (NM_001330290.2, NM_001379648.1); c.4871G>C, p.Gly1624Ala (NM_001379631.1); c.4772G>C, p.Gly1591Ala (NM_001379632.1); c.4769G>C, p.Gly1590Ala (NM_001379633.1, NM_001379645.1); c.4622G>C, p.Gly1541Ala (NM_001379634.1); c.4619G>C, p.Gly1540Ala (NM_001379635.1, NM_001379646.1); and 7 more; short protein forms G1497A, G1498A, G1506A, G1507A, G1515A, G1516A, G1523A, G1532A.
Identifiers: ClinVar variation 3760367 (VCV003760367.3).